The following is an entry in ClinVar:

NM_001014.5(RPS10):c.385C>T (p.Arg129Trp)

Genes: RPS10 (ribosomal protein S10; minus strand), RPS10-NUDT3 (RPS10-NUDT3 readthrough; minus strand). Cytogenetic location: 6p21.31.
Variant type: single nucleotide variant.
Coding change: c.385C>T on transcript NM_001014.5 (MANE Select); coding-DNA position 385, C replaced by T.
Protein change: p.Arg129Trp; replaces arginine 129 with tryptophan.
Molecular consequence: missense variant.
Genome position (GRCh38, 1-based): chr6:34,421,745, G>A on the plus strand (C>T on the coding strand, the complement: RPS10 is on the minus strand). VCF-style: chr6-34421745-G-A. GRCh37 (hg19) VCF-style: chr6-34389522-G-A.
Other names: c.385C>T, p.Arg129Trp (NM_001202470.3, NM_001203245.3, NM_001204091.2); short protein forms R129W.
Identifiers: ClinVar variation 1441067 (VCV001441067.8), dbSNP rs752436029, ClinGen allele CA3765044.
Genomic context (GRCh38, chr6:34,421,745, plus strand): 5'-ACATTTCACCCCAACACCCCTAATATAGGTGATGCATTTACTCACGTGGCACAGCACTCC[G>A]TCTGTAGGTATCTCTGTCAGCTTCCCCTCTTGTGAGTCTCGCAGGTCGCTCACCCTCCAG-3'
Protein context (NP_001005.1, residues 119-139): RGEADRDTYR[Arg129Trp]SAVPPGADKK

ClinVar aggregate classification (germline): Uncertain significance (1 of 4 stars; one submission).

Conditions:
Diamond-Blackfan anemia. Also called: Blackfan Diamond syndrome; Aregenerative anemia chronic congenital; Red cell aplasia, pure hereditary; Congenital hypoplastic anemia; Aase syndrome. Identifiers: Orphanet 124, MedGen C1260899, MeSH D029503, MONDO:0015253, HP:0004810.

Allele frequency attached by ClinVar (database versions not stated): gnomAD exomes below 0.00001; ExAC 0.00001.

Submission:

Labcorp Genetics (formerly Invitae), Labcorp
Classification: Uncertain significance for Diamond-Blackfan anemia. Last evaluated: 2025-07-31. Review status: criteria provided, single submitter. Criteria: Invitae Variant Classification Sherloc (09022015). Collection method: clinical testing. Allele origin: germline.
Comment: This sequence change replaces arginine, which is basic and polar, with tryptophan, which is neutral and slightly polar, at codon 129 of the RPS10 protein (p.Arg129Trp). This variant is present in population databases (rs752436029, gnomAD 0.003%). This variant has not been reported in the literature in individuals affected with RPS10-related conditions. ClinVar contains an entry for this variant (Variation ID: 1441067). An algorithm developed to predict the effect of missense changes on protein structure and function (PolyPhen-2) suggests that this variant is likely to be tolerated. In summary, the available evidence is currently insufficient to determine the role of this variant in disease. Therefore, it has been classified as a Variant of Uncertain Significance.